The following is an entry in ClinVar:

ClinVar aggregate classification (germline): Pathogenic. Review status: criteria provided, single submitter (1 of 4 stars). 2 submissions from 2 submitters: Pathogenic (1). 1 of the submissions does not count toward it. Last evaluated 2024-11-11.

Conditions:
Alstrom syndrome (ALMS). Identifiers: Orphanet 64, MedGen C0268425, MONDO:0008763, OMIM 203800.

Submissions (2):

Labcorp Genetics (formerly Invitae), Labcorp
Classification: Pathogenic for Alstrom syndrome. Last evaluated: 2024-11-11. Review status: criteria provided, single submitter. Criteria: Invitae Variant Classification Sherloc (09022015). Collection method: clinical testing. Allele origin: germline.
Comment: This sequence change creates a premature translational stop signal (p.Leu4029Argfs*5) in the ALMS1 gene. It is expected to result in an absent or disrupted protein product. Loss-of-function variants in ALMS1 are known to be pathogenic (PMID: 17594715). This variant is not present in population databases (gnomAD no frequency). This variant has not been reported in the literature in individuals affected with ALMS1-related conditions. ClinVar contains an entry for this variant (Variation ID: 552320). For these reasons, this variant has been classified as Pathogenic.

Counsyl
Classification: Likely pathogenic for Alstrom syndrome. Last evaluated: 2017-06-05. Review status: no assertion criteria provided. Collection method: clinical testing. Allele origin: unknown. Not counted in ClinVar's aggregate classification.

Literature cited by the submitters: PubMed 17594715 (cited by Labcorp Genetics (formerly Invitae), Labcorp).

NM_001378454.1(ALMS1):c.12083_12086del (p.Leu4028fs)

Genes: ALMS1 (ALMS1 centrosome and basal body associated protein; plus strand), LOC126806252 (BRD4-independent group 4 enhancer GRCh37_chr2:73828496-73829695; plus strand). Cytogenetic location: 2p13.1.
Variant type: Deletion.
Coding change: c.12083_12086del on transcript NM_001378454.1 (MANE Select); coding-DNA positions 12083 to 12086, 4 bases deleted (TACT; older notation c.12083_12086delTACT).
Protein change: p.Leu4028fs; shifts the reading frame from leucine 4028.
Molecular consequence: frameshift variant.
Genome position (GRCh38, 1-based): chr2:73,601,405-73,601,408, TACT deleted. VCF-style (leftmost placement, unchanged base first): chr2-73601404-CTACT-C. GRCh37 (hg19) VCF-style: chr2-73828531-CTACT-C.
Other names: c.12086_12089del, p.Leu4029fs (NM_015120.4); c.12086_12089delTACT (NM_015120.4); short protein forms L4029fs, L4028fs.
Identifiers: ClinVar variation 552320 (VCV000552320.8), dbSNP rs1553421741, ClinGen allele CA658822845.